The following is an entry in ClinVar:

ClinVar aggregate classification (germline): Uncertain significance (1 of 4 stars; one submission).

Conditions:
NPHP4-related disorder. Also called: NPHP4-related condition; NPHP4-related disorders. Identifiers: MedGen CN239384.

gnomAD v4.1: 15 of 1,612,942 alleles (0.00093%); highest among the groups gnomAD compares: African/African-American, 0.004%; no homozygotes.

Submission:

PreventionGenetics, part of Exact Sciences
Classification: Uncertain significance for NPHP4-related condition. Last evaluated: 2026-04-30. Review status: criteria provided, single submitter. Criteria: ACMG Guidelines, 2015. Collection method: clinical testing. Allele origin: germline.
Comment: The NPHP4 c.2315G>A variant is predicted to result in the amino acid substitution p.Arg772His. To our knowledge, this variant has not been reported in the literature. This variant is reported in 0.0065% of alleles in individuals of African descent in gnomAD. At this time, the clinical significance of this variant is uncertain due to the absence of conclusive functional and genetic evidence.

NM_015102.5(NPHP4):c.2315G>A (p.Arg772His)

Gene: NPHP4 (nephrocystin 4; minus strand). Cytogenetic location: 1p36.31.
Variant type: single nucleotide variant.
Coding change: c.2315G>A on transcript NM_015102.5 (MANE Select); coding-DNA position 2315, G replaced by A.
Protein change: p.Arg772His; replaces arginine 772 with histidine.
Molecular consequence: missense variant. On other transcripts: non-coding transcript variant (1).
Genome position (GRCh38, 1-based): chr1:5,887,456, C>T on the plus strand (G>A on the coding strand, the complement: NPHP4 is on the minus strand). VCF-style: chr1-5887456-C-T. GRCh37 (hg19) VCF-style: chr1-5947516-C-T.
Other names: c.776G>A, p.Arg259His (NM_001291593.2); c.779G>A, p.Arg260His (NM_001291594.2); short protein forms R260H, R259H, R772H.
Identifiers: ClinVar variation 4981742 (VCV004981742.1).